The following is an entry in ClinVar:

NM_052947.4(ALPK2):c.2599C>G (p.Gln867Glu)

Gene: ALPK2 (alpha kinase 2; minus strand). Cytogenetic location: 18q21.31.
Variant type: single nucleotide variant.
Coding change: c.2599C>G on transcript NM_052947.4 (MANE Select); coding-DNA position 2599, C replaced by G.
Protein change: p.Gln867Glu; replaces glutamine 867 with glutamic acid.
Molecular consequence: missense variant.
Genome position (GRCh38, 1-based): chr18:58,537,588, G>C on the plus strand (C>G on the coding strand, the complement: ALPK2 is on the minus strand). VCF-style: chr18-58537588-G-C. GRCh37 (hg19) VCF-style: chr18-56204820-G-C.
Other names: short protein forms Q867E.
Identifiers: ClinVar variation 1793600 (VCV001793600.2), dbSNP rs774748639, ClinGen allele CA300927562.
Genomic context (GRCh38, chr18:58,537,588, plus strand): 5'-ACATGACTGAGTTGCCGTCCTTGCTGCTTTTGCACGTAGACACTGAAGTCTCAGACACTT[G>C]TGTCTGAAAAAAGACTTCCAGTGTCTTGTCATTAGAAGAACATAAATCAGATACTTTGTT-3'
Protein context (NP_443179.3, residues 857-877): DKTLEVFFQT[Gln867Glu]VSETSVSTCK

ClinVar aggregate classification (germline): Uncertain significance (1 of 4 stars; one submission).

gnomAD v4.1: 1 of 1,613,828 alleles (0.000062%); highest among the groups gnomAD compares: Non-Finnish European, 0.000085%; no homozygotes.

Submission:

Ambry Genetics
Classification: Uncertain significance. Last evaluated: 2022-02-15. Review status: criteria provided, single submitter. Criteria: Ambry Variant Classification Scheme 2023. Collection method: clinical testing. Allele origin: germline.
Comment: The p.Q867E variant (also known as c.2599C>G), located in coding exon 4 of the ALPK2 gene, results from a C to G substitution at nucleotide position 2599. The glutamine at codon 867 is replaced by glutamic acid, an amino acid with highly similar properties. This amino acid position is conserved. In addition, this alteration is predicted to be tolerated by in silico analysis. Since supporting evidence is limited at this time, the clinical significance of this alteration remains unclear.